The following is an entry in ClinVar:

ClinVar aggregate classification (germline): Uncertain significance (1 of 4 stars; one submission).

gnomAD v4.1: 516 of 152,156 alleles (0.34%); highest among the groups gnomAD compares: Non-Finnish European, 0.65%; no homozygotes.

Submission:

Greenwood Genetic Center Diagnostic Laboratories, Greenwood Genetic Center
Classification: Uncertain significance. Last evaluated: 2025-06-06. Review status: criteria provided, single submitter. Criteria: ACMG Guidelines, 2015. Collection method: clinical testing. Allele origin: germline. Affected: yes.
Comment: BP4

NM_003622.4(PPFIBP1):c.-123-16439C>T

Gene: PPFIBP1 (PPFIB scaffold protein 1; plus strand). Cytogenetic location: 12p11.23.
Variant type: single nucleotide variant.
Coding change: c.-123-16439C>T on transcript NM_003622.4 (MANE Select); 16439 bases into the intron before 123 bases upstream of the start codon, C replaced by T.
Molecular consequence: intron variant.
Genome position (GRCh38, 1-based): chr12:27,561,713, C>T. VCF-style: chr12-27561713-C-T. GRCh37 (hg19) VCF-style: chr12-27714646-C-T.
Other names: c.-123-16439C>T (NM_177444.3, NM_001198916.2); c.-277-16439C>T (NM_001198915.2).
Identifiers: ClinVar variation 4538291 (VCV004538291.1).